The following is an entry in ClinVar:

NM_015156.4(RCOR1):c.70TCCGCC[1] (p.24SA[1])

Gene: RCOR1 (REST corepressor 1; plus strand). Cytogenetic location: 14q32.31.
Variant type: Microsatellite.
Coding change: c.70TCCGCC[1] on transcript NM_015156.4 (MANE Select); one copy of the 6-base unit TCCGCC starting at c.70; the reference has two copies in a row; one copy, 6 bases deleted.
Protein change: p.24SA[1].
Molecular consequence: inframe deletion.
Genome position (GRCh38, 1-based): chr14:102,592,962-102,592,967, TCCGCC deleted; deleting any 6 consecutive bases within chr14:102,592,951-102,592,967 gives the same sequence; the position shown is the placement nearest the transcript's 3' end. VCF-style (leftmost placement, unchanged base first): chr14-102592950-GCCGCCT-G. GRCh37 (hg19) VCF-style: chr14-103059287-GCCGCCT-G.
Identifiers: ClinVar variation 2177079 (VCV002177079.4), dbSNP rs747961008, ClinGen allele CA616587100.

ClinVar aggregate classification (germline): Uncertain significance (1 of 4 stars; one submission).

Submission:

Labcorp Genetics (formerly Invitae), Labcorp
Classification: Uncertain significance. Last evaluated: 2024-03-31. Review status: criteria provided, single submitter. Criteria: Invitae Variant Classification Sherloc (09022015). Collection method: clinical testing. Allele origin: germline.
Comment: This variant, c.76_81del, results in the deletion of 2 amino acid(s) of the RCOR1 protein (p.Ser26_Ala27del), but otherwise preserves the integrity of the reading frame. The frequency data for this variant in the population databases is considered unreliable, as metrics indicate poor data quality at this position in the gnomAD database. This variant has not been reported in the literature in individuals affected with RCOR1-related conditions. Experimental studies and prediction algorithms are not available or were not evaluated, and the functional significance of this variant is currently unknown. In summary, the available evidence is currently insufficient to determine the role of this variant in disease. Therefore, it has been classified as a Variant of Uncertain Significance.